The following is an entry in ClinVar:

ClinVar aggregate classification (germline): Benign/Likely benign. Review status: criteria provided, multiple submitters, no conflicts (2 of 4 stars). 3 submissions from 3 submitters: Benign (2); Likely benign (1). Last evaluated 2026-06-01.

Conditions:
Developmental and epileptic encephalopathy, 54. Also called: Epileptic encephalopathy, early infantile, 54; HNRNPU-Related Neurodevelopmental Disorder. Identifiers: MedGen C4479319, MONDO:0033363, OMIM 617391.
Inborn genetic diseases. Identifiers: MedGen C0950123, MeSH D030342.

Allele frequency attached by ClinVar (database versions not stated): gnomAD exomes 0.00002 and 0.00012; gnomAD 0.00004; TOPMed 0.00005; ExAC 0.00007; ESP Exome Variant Server 0.00008.
gnomAD v4.1: 40 of 1,613,582 alleles (0.0025%); highest among the groups gnomAD compares: Admixed American, 0.063%; no homozygotes.

Submissions (3):

CeGaT Center for Human Genetics Tuebingen
Classification: Likely benign. Last evaluated: 2026-06-01. Review status: criteria provided, single submitter. Criteria: CeGaT Center For Human Genetics Tuebingen Variant Classification Criteria Version 2. Collection method: clinical testing. Allele origin: germline. Affected: yes. Observed: 1 variant allele.
Comment: HNRNPU: BS2

Labcorp Genetics (formerly Invitae), Labcorp
Classification: Benign for Developmental and epileptic encephalopathy, 54. Last evaluated: 2025-10-13. Review status: criteria provided, single submitter. Criteria: Invitae Variant Classification Sherloc (09022015). Collection method: clinical testing. Allele origin: germline.

Ambry Genetics
Classification: Benign for Inborn genetic diseases. Last evaluated: 2018-12-13. Review status: criteria provided, single submitter. Criteria: Ambry Variant Classification Scheme 2023. Collection method: clinical testing. Allele origin: germline.

NM_031844.3(HNRNPU):c.1952A>C (p.Glu651Ala)

Gene: HNRNPU (heterogeneous nuclear ribonucleoprotein U; minus strand). Cytogenetic location: 1q44.
Variant type: single nucleotide variant.
Coding change: c.1952A>C on transcript NM_031844.3 (MANE Select); coding-DNA position 1952, A replaced by C.
Protein change: p.Glu651Ala; replaces glutamic acid 651 with alanine.
Molecular consequence: missense variant.
Genome position (GRCh38, 1-based): chr1:244,856,119, T>G on the plus strand (A>C on the coding strand, the complement: HNRNPU is on the minus strand). VCF-style: chr1-244856119-T-G. GRCh37 (hg19) VCF-style: chr1-245019421-T-G.
Other names: c.1895A>C, p.Glu632Ala (NM_004501.3); short protein forms E651A, E632A.
Identifiers: ClinVar variation 532556 (VCV000532556.16), dbSNP rs202115297, ClinGen allele CA1486330.